The following is an entry in ClinVar:

ClinVar aggregate classification (germline): Likely pathogenic. Review status: criteria provided, multiple submitters, no conflicts (2 of 4 stars). 2 submissions from 2 submitters: Likely pathogenic (2). Last evaluated 2024-10-14.

Conditions:
3-methylglutaconic aciduria type 1 (MGCA1). Identifiers: Orphanet 67046, MedGen C0342727, MONDO:0009610, OMIM 250950.

Allele frequency attached by ClinVar (database versions not stated): gnomAD exomes 0.00002 and 0.00006; gnomAD 0.00002; TOPMed 0.00002; ExAC 0.00002.

Submissions (2):

Labcorp Genetics (formerly Invitae), Labcorp
Classification: Likely pathogenic for 3-methylglutaconic aciduria type 1. Last evaluated: 2024-10-14. Review status: criteria provided, single submitter. Criteria: Invitae Variant Classification Sherloc (09022015). Collection method: clinical testing. Allele origin: germline.
Comment: This sequence change replaces alanine, which is neutral and non-polar, with valine, which is neutral and non-polar, at codon 240 of the AUH protein (p.Ala240Val). This variant is present in population databases (rs769894315, gnomAD 0.005%). This missense change has been observed in individual(s) with 3-methylglutaconic aciduria type I (PMID: 12655555, 36341175; internal data). ClinVar contains an entry for this variant (Variation ID: 529797). Invitae Evidence Modeling of protein sequence and biophysical properties (such as structural, functional, and spatial information, amino acid conservation, physicochemical variation, residue mobility, and thermodynamic stability) indicates that this missense variant is expected to disrupt AUH protein function with a positive predictive value of 80%. Experimental studies have shown that this missense change affects AUH function (PMID: 16640564, 24598254). In summary, the currently available evidence indicates that the variant is pathogenic, but additional data are needed to prove that conclusively. Therefore, this variant has been classified as Likely Pathogenic.

GeneDx
Classification: Likely pathogenic. Last evaluated: 2021-05-06. Review status: criteria provided, single submitter. Criteria: GeneDx Variant Classification Process June 2021. Collection method: clinical testing. Allele origin: germline. Affected: yes.
Comment: Expression studies found that A240V reduced 3-methylglutaconyl-coenzyme A hydratase enzyme activity to 9% of wild-type (Mack et al. 2006); Not observed at a significant frequency in large population cohorts (Lek et al., 2016); In silico analysis, which includes protein predictors and evolutionary conservation, supports a deleterious effect; This variant is associated with the following publications: (PMID: 16640564, 9762598, 12655555, 24598254)

Literature cited by the submitters: PubMed 12655555 (cited by Labcorp Genetics (formerly Invitae), Labcorp); PubMed 36341175 (cited by Labcorp Genetics (formerly Invitae), Labcorp); PubMed 16640564 (cited by Labcorp Genetics (formerly Invitae), Labcorp); PubMed 24598254 (cited by Labcorp Genetics (formerly Invitae), Labcorp).

NM_001698.3(AUH):c.719C>T (p.Ala240Val)

Gene: AUH (AU RNA binding methylglutaconyl-CoA hydratase; minus strand). Cytogenetic location: 9q22.31.
Variant type: single nucleotide variant.
Coding change: c.719C>T on transcript NM_001698.3 (MANE Select); coding-DNA position 719, C replaced by T.
Protein change: p.Ala240Val; replaces alanine 240 with valine.
Molecular consequence: missense variant.
Genome position (GRCh38, 1-based): chr9:91,220,929, G>A on the plus strand (C>T on the coding strand, the complement: AUH is on the minus strand). VCF-style: chr9-91220929-G-A. GRCh37 (hg19) VCF-style: chr9-93983211-G-A.
Other names: c.632C>T, p.Ala211Val (NM_001306190.2); c.392C>T, p.Ala131Val (NM_001351431.2, NM_001351432.2, NM_001351433.2); short protein forms A240V, A211V, A131V.
Identifiers: ClinVar variation 529797 (VCV000529797.14), dbSNP rs769894315, ClinGen allele CA5119750.